The following is an entry in ClinVar:

NM_001365276.2(TNXB):c.9862C>T (p.Pro3288Ser)

Gene: TNXB (tenascin XB; minus strand). Cytogenetic location: 6p21.33.
Variant type: single nucleotide variant.
Coding change: c.9862C>T on transcript NM_001365276.2 (MANE Select); coding-DNA position 9862, C replaced by T.
Protein change: p.Pro3288Ser; replaces proline 3288 with serine.
Molecular consequence: missense variant.
Genome position (GRCh38, 1-based): chr6:32,048,546, G>A on the plus strand (C>T on the coding strand, the complement: TNXB is on the minus strand). VCF-style: chr6-32048546-G-A. GRCh37 (hg19) VCF-style: chr6-32016323-G-A.
Other names: c.9856C>T, p.Pro3286Ser (NM_019105.8); short protein forms P3286S, P3288S.
Identifiers: ClinVar variation 1768407 (VCV001768407.2), dbSNP rs2483416450, ClinGen allele CA363534543.
Genomic context (GRCh38, chr6:32,048,546, plus strand): 5'-CAGGCACTGCCTGGGGCTGCCCCTGCGCGTCCCTGTACTGTACCAGGAAGGAGTCAAAGG[G>A]GCCCTGGGCCACCGTCCATGAGAGGCCCACTGAGTCCGAGGTCACGGCCGCCACCGCCAG-3'
Protein context (NP_001352205.1, residues 3278-3298): VGLSWTVAQG[Pro3288Ser]FDSFLVQYRD

ClinVar aggregate classification (germline): Uncertain significance (1 of 4 stars; one submission).

Conditions:
Cardiovascular phenotype. Identifiers: MedGen CN230736.

gnomAD v4.1: 2 of 1,568,750 alleles (0.00013%); highest among the groups gnomAD compares: East Asian, 0.0023%; no homozygotes.

Submission:

Ambry Genetics
Classification: Uncertain significance for Cardiovascular phenotype. Last evaluated: 2022-03-04. Review status: criteria provided, single submitter. Criteria: Ambry Variant Classification Scheme 2023. Collection method: clinical testing. Allele origin: germline.
Comment: The p.P3286S variant (also known as c.9856C>T), located in coding exon 28 of the TNXB gene, results from a C to T substitution at nucleotide position 9856. The proline at codon 3286 is replaced by serine, an amino acid with similar properties. This amino acid position is conserved. In addition, this alteration is predicted to be tolerated by in silico analysis. Since supporting evidence is limited at this time, the clinical significance of this alteration remains unclear.